The following is an entry in ClinVar:

ClinVar aggregate classification (germline): Pathogenic (0 of 4 stars; one submission).

Conditions:
Hypertrophic cardiomyopathy 26. Also called: Cardiomyopathy, familial hypertrophic, 26. Identifiers: Orphanet 75249, MedGen C4310749, MONDO:0014883, OMIM 617047.

Submission:

deCODE genetics, Amgen
Classification: Pathogenic for Hypertrophic cardiomyopathy 26. Last evaluated: 2023-07-21. Review status: no assertion criteria provided. Collection method: research. Allele origin: germline. Affected: yes. Observed: 37 variant alleles.
Comment: The variant NM_001458.5:c.4875del (chr7:128848927) in FLNC was detected in 17 heterozygotes out of 58K WGS Icelanders (MAF= 0,015%). Following imputation in a set of 166K Icelanders (37 imputed heterozygotes) we observed an association with cardiomyopathy using 1974 cases and 365360 controls (OR= 26.20, P= 1.18e-07). This variant has not been reported in ClinVar previously. Based on ACMG criteria (PVS1, PS4) this variant classifies as pathogenic.

NM_001458.5(FLNC):c.4875del (p.Phe1626fs)

Gene: FLNC (filamin C; plus strand). Cytogenetic location: 7q32.1.
Variant type: Deletion.
Coding change: c.4875del on transcript NM_001458.5 (MANE Select); coding-DNA position 4875, one base deleted (C; older notation c.4875delC).
Protein change: p.Phe1626fs; shifts the reading frame from phenylalanine 1626.
Molecular consequence: frameshift variant.
Genome position (GRCh38, 1-based): chr7:128,848,930, C deleted; the last of 3 consecutive C bases (chr7:128,848,928-128,848,930); deleting any one gives the same sequence. VCF-style (leftmost placement, unchanged base first): chr7-128848927-GC-G. GRCh37 (hg19) VCF-style: chr7-128488981-GC-G.
Other names: c.4875del, p.Phe1626fs (NM_001127487.2); short protein forms F1626fs.
Identifiers: ClinVar variation 2574074 (VCV002574074.1), dbSNP rs757995302, ClinGen allele CA166184669.